The following is an entry in ClinVar:

ClinVar aggregate classification (germline): Uncertain significance (1 of 4 stars; one submission).

gnomAD v4.1: 1 of 1,614,046 alleles (0.000062%); highest among the groups gnomAD compares: African/African-American, 0.0013%; no homozygotes.

Submission:

GeneDx
Classification: Uncertain significance. Last evaluated: 2024-12-13. Review status: criteria provided, single submitter. Criteria: GeneDx Variant Classification Process June 2021. Collection method: clinical testing. Allele origin: germline. Affected: yes.
Comment: Not observed at significant frequency in large population cohorts (gnomAD); In silico analysis supports that this missense variant has a deleterious effect on protein structure/function; Has not been previously published as pathogenic or benign to our knowledge

NM_000554.6(CRX):c.150A>C (p.Gln50His)

Gene: CRX (cone-rod homeobox; plus strand). Cytogenetic location: 19q13.33.
Variant type: single nucleotide variant.
Coding change: c.150A>C on transcript NM_000554.6 (MANE Select); coding-DNA position 150, A replaced by C.
Protein change: p.Gln50His; replaces glutamine 50 with histidine.
Molecular consequence: missense variant.
Genome position (GRCh38, 1-based): chr19:47,836,292, A>C. VCF-style: chr19-47836292-A-C. GRCh37 (hg19) VCF-style: chr19-48339549-A-C.
Other names: short protein forms Q50H.
Identifiers: ClinVar variation 3903121 (VCV003903121.1).